The following is an entry in ClinVar:

ClinVar aggregate classification (germline): Uncertain significance (1 of 4 stars; one submission).

Conditions:
Neurodevelopmental disorder with hypotonia, language delay, and skeletal defects with or without seizures (NEDHLSS). Identifiers: MedGen C5774213, MONDO:0859286, OMIM 620029.

Submission:

Illumina Laboratory Services, Illumina
Classification: Uncertain significance for Neurodevelopmental disorder with hypotonia, language delay, and skeletal defects with or without seizures. Last evaluated: 2023-04-18. Review status: criteria provided, single submitter. Criteria: ICSLVariantClassificationCriteria RUGD 01 April 2020. Collection method: clinical testing. Allele origin: unknown.
Comment: The CACNA1C c.1084A>G (p.Met362Val) missense variant has not, to our knowledge, been reported in the peer-reviewed literature. This variant is not observed in version 2.1.1 or version 3.1.2 of the Genome Aggregation Database. Multiple lines of computational evidence suggest the variant may impact the gene or gene product. Whilst the p.Met362Val variant is located in domain 1 of the protein, the functional impact of this domain has not been determined. This variant was identified in a de novo state. Based on the available evidence, the c.1084A>G (p.Met362Val) variant is classified as a variant of uncertain significance for neurodevelopmental disorder with hypotonia, language delay, and skeletal defects with or without seizures.

NM_000719.7(CACNA1C):c.1084A>G (p.Met362Val)

Gene: CACNA1C (calcium voltage-gated channel subunit alpha1 C; plus strand). Cytogenetic location: 12p13.33.
Variant type: single nucleotide variant.
Coding change: c.1084A>G on transcript NM_000719.7 (MANE Select); coding-DNA position 1084, A replaced by G.
Protein change: p.Met362Val; replaces methionine 362 with valine.
Molecular consequence: missense variant.
Genome position (GRCh38, 1-based): chr12:2,493,357, A>G. VCF-style: chr12-2493357-A-G. GRCh37 (hg19) VCF-style: chr12-2602523-A-G.
Other names: c.1084A>G, p.Met362Val (NM_001129827.2, NM_001129829.2, NM_001129830.3 and 18 more transcripts); c.1075A>G, p.Met359Val (NM_001129844.2); short protein forms M359V, M362V.
Identifiers: ClinVar variation 2580232 (VCV002580232.1), dbSNP rs2504159616, ClinGen allele CA383369994.